The following is an entry in ClinVar:

ClinVar aggregate classification (germline): Uncertain significance. Review status: criteria provided, multiple submitters, no conflicts (2 of 4 stars). 2 submissions from 2 submitters: Uncertain significance (2). Last evaluated 2026-05-14.

Conditions:
Inborn genetic diseases. Identifiers: MedGen C0950123, MeSH D030342.

gnomAD v4.1: 13 of 1,610,130 alleles (0.00081%); highest among the groups gnomAD compares: Non-Finnish European, 0.001%; no homozygotes.

Submissions (2):

Ambry Genetics
Classification: Uncertain significance for Inborn genetic diseases. Last evaluated: 2026-05-14. Review status: criteria provided, single submitter. Criteria: Ambry Variant Classification Scheme 2023. Collection method: clinical testing. Allele origin: germline.

Labcorp Genetics (formerly Invitae), Labcorp
Classification: Uncertain significance. Last evaluated: 2025-01-07. Review status: criteria provided, single submitter. Criteria: Invitae Variant Classification Sherloc (09022015). Collection method: clinical testing. Allele origin: germline.
Comment: This sequence change replaces glutamic acid, which is acidic and polar, with alanine, which is neutral and non-polar, at codon 1698 of the COL7A1 protein (p.Glu1698Ala). This variant is not present in population databases (gnomAD no frequency). This variant has not been reported in the literature in individuals affected with COL7A1-related conditions. Invitae Evidence Modeling of protein sequence and biophysical properties (such as structural, functional, and spatial information, amino acid conservation, physicochemical variation, residue mobility, and thermodynamic stability) indicates that this missense variant is not expected to disrupt COL7A1 protein function with a negative predictive value of 95%. In summary, the available evidence is currently insufficient to determine the role of this variant in disease. Therefore, it has been classified as a Variant of Uncertain Significance.

NM_000094.4(COL7A1):c.5093A>C (p.Glu1698Ala)

Gene: COL7A1 (collagen type VII alpha 1 chain; minus strand). Cytogenetic location: 3p21.31.
Variant type: single nucleotide variant.
Coding change: c.5093A>C on transcript NM_000094.4 (MANE Select); coding-DNA position 5093, A replaced by C.
Protein change: p.Glu1698Ala; replaces glutamic acid 1698 with alanine.
Molecular consequence: missense variant.
Genome position (GRCh38, 1-based): chr3:48,580,304, T>G on the plus strand (A>C on the coding strand, the complement: COL7A1 is on the minus strand). VCF-style: chr3-48580304-T-G. GRCh37 (hg19) VCF-style: chr3-48617737-T-G.
Other names: short protein forms E1698A.
Identifiers: ClinVar variation 3718930 (VCV003718930.3).
Genomic context (GRCh38, chr3:48,580,304, plus strand): 5'-AGCAGCGCCAGGGGACCCTCCATCCCTTCTGAGCCCAGGACACCAGCCCTACTCACCGGC[T>G]CCCCACGGTCACCCTTGGGTCCAGATGATCCAGGGCTGCCCTGCAGAAAGGCAGGGGTCA-3'
Protein context (NP_000085.1, residues 1688-1708): GSSGPKGDRG[Glu1698Ala]PGPPGPPGRL